The following is an entry in ClinVar:

NM_002591.4(PCK1):c.1102G>A (p.Val368Ile)

Gene: PCK1 (phosphoenolpyruvate carboxykinase 1; plus strand). Cytogenetic location: 20q13.31.
Variant type: single nucleotide variant.
Coding change: c.1102G>A on transcript NM_002591.4 (MANE Select); coding-DNA position 1102, G replaced by A.
Protein change: p.Val368Ile; replaces valine 368 with isoleucine.
Molecular consequence: missense variant.
Genome position (GRCh38, 1-based): chr20:57,564,309, G>A. VCF-style: chr20-57564309-G-A. GRCh37 (hg19) VCF-style: chr20-56139365-G-A.
Other names: short protein forms V368I.
Identifiers: ClinVar variation 338888 (VCV000338888.13), dbSNP rs1804160, ClinGen allele CA9922273.
Genomic context (GRCh38, chr20:57,564,309, plus strand): 5'-ATCAAGACCATCCAGAAGAACACAATCTTTACCAATGTGGCCGAGACCAGCGACGGGGGC[G>A]TTTACTGGGAAGGCATTGATGAGCCGCTAGCTTCAGGTGTCACCATCACGTCCTGGAAGA-3'
Protein context (NP_002582.3, residues 358-378): TNVAETSDGG[Val368Ile]YWEGIDEPLA

ClinVar aggregate classification (germline): Benign. Review status: criteria provided, multiple submitters, no conflicts (2 of 4 stars). 3 submissions from 3 submitters: Benign (3). Last evaluated 2026-01-16.

Conditions:
Phosphoenolpyruvate carboxykinase deficiency, cytosolic (PCKDC). Also called: PCK1 DEFICIENCY, CYTOSOLIC; PEPCK DEFICIENCY, CYTOSOLIC. Identifiers: Orphanet 2880, MedGen C5574905, MONDO:0009866, OMIM 261680.

Allele frequency attached by ClinVar (database versions not stated): 1000 Genomes Project 0.01617; 1000 Genomes Project 30x 0.01624; TOPMed 0.02594; gnomAD 0.02710 and 0.02728; gnomAD exomes 0.02803; ExAC 0.02982; ESP Exome Variant Server 0.03237.
gnomAD v4.1: 57,369 of 1,613,944 alleles (3.6%); highest among the groups gnomAD compares: Non-Finnish European, 4.2%; 1,243 homozygotes.

Submissions (3):

Labcorp Genetics (formerly Invitae), Labcorp
Classification: Benign. Last evaluated: 2026-01-16. Review status: criteria provided, single submitter. Criteria: Invitae Variant Classification Sherloc (09022015). Collection method: clinical testing. Allele origin: germline.

Illumina Laboratory Services, Illumina
Classification: Benign for Phosphoenolpyruvate carboxykinase deficiency, cytosolic. Last evaluated: 2018-01-13. Review status: criteria provided, single submitter. Criteria: ICSL Variant Classification Criteria 13 December 2019. Collection method: clinical testing. Allele origin: germline.
Comment: This variant was observed in the ICSL laboratory as part of a predisposition screen in an ostensibly healthy population. It had not been previously curated by ICSL or reported in the Human Gene Mutation Database (HGMD: prior to June 1st, 2018), and was therefore a candidate for classification through an automated scoring system. Utilizing variant allele frequency, disease prevalence and penetrance estimates, and inheritance mode, an automated score was calculated to assess if this variant is too frequent to cause the disease. Based on the score and internal cut-off values, a variant classified as benign is not then subjected to further curation. The score for this variant resulted in a classification of benign for this disease.

Breakthrough Genomics
Classification: Benign. Review status: criteria provided, single submitter. Criteria: ACMG Guidelines, 2015. Collection method: not provided. Allele origin: germline. Inheritance: Autosomal recessive inheritance. Affected: yes.